The following is an entry in ClinVar:

ClinVar aggregate classification (germline): Conflicting classifications of pathogenicity. Review status: criteria provided, conflicting classifications (1 of 4 stars). 6 submissions from 6 submitters: Uncertain significance (1); Benign (1); Likely benign (3). 1 of the submissions does not count toward it. Last evaluated 2026-01-20.

Conditions:
USH1C-related disorder. Also called: USH1C-related condition.
Usher syndrome type 1C. Also called: USHER SYNDROME, TYPE I, ACADIAN VARIETY. Identifiers: Orphanet 231169, Orphanet 886, MedGen C1848604, MONDO:0010171, OMIM 276904.

Allele frequency attached by ClinVar (database versions not stated): 1000 Genomes Project 0.00040; 1000 Genomes Project 30x 0.00047; ESP Exome Variant Server 0.00054; TOPMed 0.00073; gnomAD 0.00080.
gnomAD v4.1: 211 of 1,614,214 alleles (0.013%); highest among the groups gnomAD compares: African/African-American, 0.24%; 1 homozygote.

Submissions (6):

Labcorp Genetics (formerly Invitae), Labcorp
Classification: Benign. Last evaluated: 2026-01-20. Review status: criteria provided, single submitter. Criteria: Invitae Variant Classification Sherloc (09022015). Collection method: clinical testing. Allele origin: germline.

PreventionGenetics, part of Exact Sciences
Classification: Likely benign for USH1C-related condition. Last evaluated: 2025-06-17. Review status: criteria provided, single submitter. Criteria: ACMG Guidelines, 2015. Collection method: clinical testing. Allele origin: germline.
Comment: This variant is classified as likely benign based on ACMG/AMP sequence variant interpretation guidelines (Richards et al. 2015 PMID: 25741868, with internal and published modifications).

Blueprint Genetics
Classification: Likely benign. Last evaluated: 2024-11-13. Review status: criteria provided, single submitter. Criteria: ACMG Guidelines, 2015. Collection method: clinical testing. Allele origin: germline.

GeneDx
Classification: Likely benign. Last evaluated: 2018-02-09. Review status: criteria provided, single submitter. Criteria: GeneDx Variant Classification (06012015). Collection method: clinical testing. Allele origin: germline. Affected: yes.
Comment: This variant is considered likely benign or benign based on one or more of the following criteria: it is a conservative change, it occurs at a poorly conserved position in the protein, it is predicted to be benign by multiple in silico algorithms, and/or has population frequency not consistent with disease.

Eurofins Ntd Llc (ga)
Classification: Uncertain significance. Last evaluated: 2015-07-09. Review status: criteria provided, single submitter. Criteria: EGL Classification Definitions 2015. Collection method: clinical testing. Allele origin: germline. Observed: 3 variant alleles, 3 heterozygotes.

Natera, Inc.
Classification: Likely benign for Usher syndrome type 1C. Last evaluated: 2020-02-05. Review status: no assertion criteria provided. Collection method: clinical testing. Allele origin: germline. Not counted in ClinVar's aggregate classification.

NM_153676.4(USH1C):c.2443C>T (p.Leu815=)

Gene: USH1C (USH1 protein network component harmonin; minus strand). Cytogenetic location: 11p15.1.
Variant type: single nucleotide variant.
Coding change: c.2443C>T on transcript NM_153676.4 (MANE Select); coding-DNA position 2443, C replaced by T.
Protein change: p.Leu815=; no amino-acid change (leucine 815 retained).
Molecular consequence: synonymous variant. On other transcripts: non-coding transcript variant (1).
Genome position (GRCh38, 1-based): chr11:17,498,209, G>A on the plus strand (C>T on the coding strand, the complement: USH1C is on the minus strand). VCF-style: chr11-17498209-G-A. GRCh37 (hg19) VCF-style: chr11-17519756-G-A.
Other names: c.1486C>T, p.Leu496= (NM_001297764.2); c.1543C>T, p.Leu515= (NM_005709.4); c.2443C>T (NM_153676.3).
Identifiers: ClinVar variation 281628 (VCV000281628.18), dbSNP rs148477093, ClinGen allele CA5904161.
Genomic context (GRCh38, chr11:17,498,209, plus strand): 5'-GCCTTATTCTTACCCCGCCCTGATTCCAGGCCTTCTGCAGGGCAGCCTCAGCCTCAGCCA[G>A]GGTGTAGTCTGTCACAATCTTGCCGTTGATTGCCATGATCTCGTCCCCTTTCACAATGCC-3'
Protein context (NP_710142.1, residues 805-825): INGKIVTDYT[Leu815=]AEAEAALQKA